The following is an entry in ClinVar:

ClinVar aggregate classification (germline): Uncertain significance. Review status: criteria provided, multiple submitters, no conflicts (2 of 4 stars). 2 submissions from 2 submitters: Uncertain significance (2). Last evaluated 2025-06-23.

Allele frequency attached by ClinVar (database versions not stated): gnomAD exomes below 0.00001; TOPMed below 0.00001.
gnomAD v4.1: 5 of 1,589,784 alleles (0.00031%); highest among the groups gnomAD compares: Admixed American, 0.0018%; no homozygotes.

Submissions (2):

Labcorp Genetics (formerly Invitae), Labcorp
Classification: Uncertain significance. Last evaluated: 2025-06-23. Review status: criteria provided, single submitter. Criteria: Invitae Variant Classification Sherloc (09022015). Collection method: clinical testing. Allele origin: germline.
Comment: This sequence change replaces proline, which is neutral and non-polar, with arginine, which is basic and polar, at codon 5 of the C1QC protein (p.Pro5Arg). This variant is present in population databases (no rsID available, gnomAD 0.004%). This variant has not been reported in the literature in individuals affected with C1QC-related conditions. ClinVar contains an entry for this variant (Variation ID: 1943253). An algorithm developed to predict the effect of missense changes on protein structure and function (PolyPhen-2) suggests that this variant is likely to be tolerated. In summary, the available evidence is currently insufficient to determine the role of this variant in disease. Therefore, it has been classified as a Variant of Uncertain Significance.

Mayo Clinic Laboratories, Mayo Clinic
Classification: Uncertain significance. Last evaluated: 2023-11-17. Review status: criteria provided, single submitter. Criteria: ACMG Guidelines, 2015. Collection method: clinical testing. Allele origin: germline. Observed: 1 variant allele.
Comment: BP4, PM2

NM_172369.5(C1QC):c.14C>G (p.Pro5Arg)

Gene: C1QC (complement C1q C chain; plus strand). Cytogenetic location: 1p36.12.
Variant type: single nucleotide variant.
Coding change: c.14C>G on transcript NM_172369.5 (MANE Select); coding-DNA position 14, C replaced by G.
Protein change: p.Pro5Arg; replaces proline 5 with arginine.
Molecular consequence: missense variant. On other transcripts: intron variant (1).
Genome position (GRCh38, 1-based): chr1:22,644,037, C>G. VCF-style: chr1-22644037-C-G. GRCh37 (hg19) VCF-style: chr1-22970530-C-G.
Other names: p.Pro5Arg; c.14C>G, p.Pro5Arg (NM_001114101.3, NM_001347619.2); c.-87+323C>G (NM_001347620.2); short protein forms P5R.
Identifiers: ClinVar variation 1943253 (VCV001943253.6), dbSNP rs1182130955, ClinGen allele CA338932328.